The following is an entry in ClinVar:

NM_000298.6(PKLR):c.403del (p.Arg135fs)

Gene: PKLR (pyruvate kinase L/R; minus strand). Cytogenetic location: 1q22.
Variant type: Deletion.
Coding change: c.403del on transcript NM_000298.6 (MANE Select); coding-DNA position 403, one base deleted (C; older notation c.403delC).
Protein change: p.Arg135fs; shifts the reading frame from arginine 135.
Molecular consequence: frameshift variant.
Genome position (GRCh38, 1-based): chr1:155,295,541, G deleted on the plus strand (C on the coding strand, the reverse complement: PKLR is on the minus strand); the first of 2 consecutive G bases (chr1:155,295,541-155,295,542); deleting either gives the same sequence. VCF-style (leftmost placement, unchanged base first): chr1-155295540-CG-C. GRCh37 (hg19) VCF-style: chr1-155265331-CG-C.
Other names: c.310del, p.Arg104fs (NM_181871.4); short protein forms R104fs, R135fs.
Identifiers: ClinVar variation 3775965 (VCV003775965.1).
Genomic context (GRCh38, chr1:155,295,540, plus strand): 5'-AGGGCGATGGCCACGGGCCGGTAGCTGAGTGGGGAACCTGCAAAGCTCTCCACCGCCTCC[CG>C]GACGTTGGCGATGGACTCAGCATGGTACTGGGGGAGGGAGCGGAGCGAGGGTTTCAGGGG-3'

ClinVar aggregate classification (germline): Pathogenic (1 of 4 stars; one submission).

Conditions:
Pyruvate kinase deficiency of red cells (CNSHA2). Also called: PK DEFICIENCY; Pyruvate kinase deficiency, Amish type; PYRUVATE KINASE DEFICIENCY OF ERYTHROCYTE. Identifiers: Orphanet 766, MedGen C0340968, MONDO:0009950, OMIM 266200.

Submission:

3billion
Classification: Pathogenic for Pyruvate kinase deficiency of red cells. Last evaluated: 2024-02-15. Review status: criteria provided, single submitter. Criteria: ACMG Guidelines, 2015. Collection method: clinical testing. Allele origin: germline. Affected: yes.
Comment: The variant is not observed in the gnomAD v2.1.1 dataset. Predicted Consequence/Location: Frameshift: predicted to result in a loss or disruption of normal protein function through nonsense-mediated decay (NMD) or protein truncation. Multiple pathogenic variants are reported downstream of the variant. Therefore, this variant is classified as Pathogenic according to the recommendation of ACMG/AMP guideline.